The following is an entry in ClinVar:

ClinVar aggregate classification (germline): Benign. Review status: criteria provided, multiple submitters, no conflicts (2 of 4 stars). 3 submissions from 3 submitters: Benign (2). 1 of the submissions does not count toward it. Last evaluated 2017-11-22.

Conditions:
COA6-related disorder. Also called: COA6-related condition.

Allele frequency attached by ClinVar (database versions not stated): TOPMed 0.00268; 1000 Genomes Project 30x 0.00484; 1000 Genomes Project 0.00559; gnomAD 0.00647.
gnomAD v4.1: 4,368 of 1,612,910 alleles (0.27%); highest among the groups gnomAD compares: East Asian, 1.9%; 52 homozygotes.

Submissions (3):

GeneDx
Classification: Benign. Last evaluated: 2017-11-22. Review status: criteria provided, single submitter. Criteria: GeneDx Variant Classification (06012015). Collection method: clinical testing. Allele origin: germline. Affected: yes.
Comment: This variant is considered likely benign or benign based on one or more of the following criteria: it is a conservative change, it occurs at a poorly conserved position in the protein, it is predicted to be benign by multiple in silico algorithms, and/or has population frequency not consistent with disease.

Breakthrough Genomics
Classification: Benign. Review status: criteria provided, single submitter. Criteria: ACMG Guidelines, 2015. Collection method: not provided. Allele origin: germline. Inheritance: Autosomal recessive inheritance. Affected: yes.

PreventionGenetics, part of Exact Sciences
Classification: Benign for COA6-related condition. Last evaluated: 2019-03-04. Review status: no assertion criteria provided. Collection method: clinical testing. Allele origin: germline. Not counted in ClinVar's aggregate classification.
Comment: This variant is classified as benign based on ACMG/AMP sequence variant interpretation guidelines (Richards et al. 2015 PMID: 25741868, with internal and published modifications).

NM_001206641.3(COA6):c.191C>G (p.Ala64Gly)

Gene: COA6 (cytochrome c oxidase assembly factor 6; plus strand). Cytogenetic location: 1q42.2.
Variant type: single nucleotide variant.
Coding change: c.191C>G on transcript NM_001206641.3 (MANE Select); coding-DNA position 191, C replaced by G.
Protein change: p.Ala64Gly; replaces alanine 64 with glycine.
Molecular consequence: missense variant.
Genome position (GRCh38, 1-based): chr1:234,373,657, C>G. VCF-style: chr1-234373657-C-G. GRCh37 (hg19) VCF-style: chr1-234509403-C-G.
Other names: c.-62C>G (NM_001012985.2); c.191C>G (NM_001206641.2); short protein forms A64G.
Identifiers: ClinVar variation 506753 (VCV000506753.4), dbSNP rs117011051, ClinGen allele CA1459974.